The following is an entry in ClinVar:

ClinVar aggregate classification (germline): Likely benign (0 of 4 stars; one submission).

Conditions:
PHF2-related disorder. Also called: PHF2-related condition.

Allele frequency attached by ClinVar (database versions not stated): gnomAD exomes 0.00004; ExAC 0.00007; gnomAD 0.00009; TOPMed 0.00010.
gnomAD v4.1: 64 of 1,613,622 alleles (0.004%); highest among the groups gnomAD compares: African/African-American, 0.023%; no homozygotes.

Submission:

PreventionGenetics, part of Exact Sciences
Classification: Likely benign for PHF2-related condition. Last evaluated: 2019-05-13. Review status: no assertion criteria provided. Collection method: clinical testing. Allele origin: germline.
Comment: This variant is classified as likely benign based on ACMG/AMP sequence variant interpretation guidelines (Richards et al. 2015 PMID: 25741868, with internal and published modifications).

NM_005392.4(PHF2):c.819G>A (p.Pro273=)

Gene: PHF2 (PHD finger protein 2; plus strand). Cytogenetic location: 9q22.31.
Variant type: single nucleotide variant.
Coding change: c.819G>A on transcript NM_005392.4 (MANE Select); coding-DNA position 819, G replaced by A.
Protein change: p.Pro273=; no amino-acid change (proline 273 retained).
Molecular consequence: synonymous variant.
Genome position (GRCh38, 1-based): chr9:93,654,442, G>A. VCF-style: chr9-93654442-G-A. GRCh37 (hg19) VCF-style: chr9-96416724-G-A.
Identifiers: ClinVar variation 3041221 (VCV003041221.2), dbSNP rs758231547, ClinGen allele CA5132481.